The following is an entry in ClinVar:

NM_003332.4(TYROBP):c.94+10G>C

Gene: TYROBP (transmembrane immune signaling adaptor TYROBP; minus strand). Cytogenetic location: 19q13.12.
Variant type: single nucleotide variant.
Coding change: c.94+10G>C on transcript NM_003332.4 (MANE Select); 10 bases into the intron after coding-DNA position 94, G replaced by C.
Molecular consequence: intron variant.
Genome position (GRCh38, 1-based): chr19:35,907,720, C>G on the plus strand (G>C on the coding strand, the complement: TYROBP is on the minus strand). VCF-style: chr19-35907720-C-G. GRCh37 (hg19) VCF-style: chr19-36398622-C-G.
Other names: p.?; c.62-140G>C (NM_001173515.2, NM_001173514.2); c.94+10G>C (NM_198125.3).
Identifiers: ClinVar variation 328895 (VCV000328895.20), dbSNP rs55746266, ClinGen allele CA9393125.

ClinVar aggregate classification (germline): Benign. Review status: criteria provided, multiple submitters, no conflicts (2 of 4 stars). 7 submissions from 7 submitters: Benign (5). 2 of the submissions do not count toward it. Last evaluated 2026-02-01.

Conditions:
Polycystic lipomembranous osteodysplasia with sclerosing leukoencephalopathy 1 (PLOSL1). Also called: TYROBP-Related Polycystic Lipomembranous Osteodysplasia with Sclerosing Leukoencephalopathy; TREM2-Related Polycystic Lipomembranous Osteodysplasia with Sclerosing Leukoencephalopathy. Identifiers: Orphanet 2770, MedGen C4721893, MONDO:0020749, OMIM 221770.

Allele frequency attached by ClinVar (database versions not stated): 1000 Genomes Project 30x 0.00390; 1000 Genomes Project 0.00419; gnomAD 0.00630 and 0.00644; TOPMed 0.00718; ExAC 0.00727; gnomAD exomes 0.00776 and 0.00877; ESP Exome Variant Server 0.00823.
gnomAD v4.1: 13,830 of 1,614,012 alleles (0.86%); highest among the groups gnomAD compares: Admixed American, 0.97%; 94 homozygotes.

Submissions (7):

Labcorp Genetics (formerly Invitae), Labcorp
Classification: Benign. Last evaluated: 2026-02-01. Review status: criteria provided, single submitter. Criteria: Invitae Variant Classification Sherloc (09022015). Collection method: clinical testing. Allele origin: germline.

Mayo Clinic Laboratories, Mayo Clinic
Classification: Benign. Last evaluated: 2023-10-12. Review status: criteria provided, single submitter. Criteria: ACMG Guidelines, 2015. Collection method: clinical testing. Allele origin: germline. Observed: 13 variant alleles.
Comment: BS1, BS2, BP4, BP7

Illumina Laboratory Services, Illumina
Classification: Benign for Polycystic lipomembranous osteodysplasia with sclerosing leukoencephalopathy 1. Last evaluated: 2018-01-13. Review status: criteria provided, single submitter. Criteria: ICSL Variant Classification Criteria 13 December 2019. Collection method: clinical testing. Allele origin: germline.
Comment: This variant was observed in the ICSL laboratory as part of a predisposition screen in an ostensibly healthy population. It had not been previously curated by ICSL or reported in the Human Gene Mutation Database (HGMD: prior to June 1st, 2018), and was therefore a candidate for classification through an automated scoring system. Utilizing variant allele frequency, disease prevalence and penetrance estimates, and inheritance mode, an automated score was calculated to assess if this variant is too frequent to cause the disease. Based on the score and internal cut-off values, a variant classified as benign is not then subjected to further curation. The score for this variant resulted in a classification of benign for this disease.

Clinical Genetics DNA and cytogenetics Diagnostics Lab, Erasmus MC, Erasmus Medical Center
Classification: Benign for Polycystic lipomembranous osteodysplasia with sclerosing leukoencephalopathy 1. Last evaluated: 2015-09-21. Review status: criteria provided, single submitter. Criteria: ACGS Guidelines, 2013. Collection method: clinical testing. Allele origin: germline. Affected: yes. Study: VKGL Data-share Consensus.

Breakthrough Genomics
Classification: Benign. Review status: criteria provided, single submitter. Criteria: ACMG Guidelines, 2015. Collection method: not provided. Allele origin: germline. Inheritance: Autosomal recessive inheritance. Affected: yes.

Genome Diagnostics Laboratory, Amsterdam University Medical Center
Classification: Benign. Review status: no assertion criteria provided. Collection method: clinical testing. Allele origin: germline. Affected: yes. Study: VKGL Data-share Consensus. Not counted in ClinVar's aggregate classification.

Laboratory of Diagnostic Genome Analysis, Leiden University Medical Center (LUMC)
Classification: Likely benign. Review status: no assertion criteria provided. Collection method: clinical testing. Allele origin: germline. Affected: yes. Study: VKGL Data-share Consensus. Not counted in ClinVar's aggregate classification.